The following is an entry in ClinVar:

NM_017950.4(CCDC40):c.506C>T (p.Ser169Leu)

Gene: CCDC40 (coiled-coil domain 40 molecular ruler complex subunit; plus strand). Cytogenetic location: 17q25.3.
Variant type: single nucleotide variant.
Coding change: c.506C>T on transcript NM_017950.4 (MANE Select); coding-DNA position 506, C replaced by T.
Protein change: p.Ser169Leu; replaces serine 169 with leucine.
Molecular consequence: missense variant.
Genome position (GRCh38, 1-based): chr17:80,040,224, C>T. VCF-style: chr17-80040224-C-T. GRCh37 (hg19) VCF-style: chr17-78014023-C-T.
Other names: c.506C>T, p.Ser169Leu (NM_001243342.2, NM_001330508.2); short protein forms S169L.
Identifiers: ClinVar variation 325724 (VCV000325724.10), dbSNP rs369066468, ClinGen allele CA8813456.

ClinVar aggregate classification (germline): Uncertain significance. Review status: criteria provided, multiple submitters, no conflicts (2 of 4 stars). 3 submissions from 3 submitters: Uncertain significance (3). Last evaluated 2024-05-12.

Conditions:
Primary ciliary dyskinesia. Also called: Ciliary dyskinesia. Identifiers: Orphanet 244, MedGen C0008780, MONDO:0016575, HP:0012265.
Primary ciliary dyskinesia 15. Also called: CILIARY DYSKINESIA, PRIMARY, 15, WITH OR WITHOUT SITUS INVERSUS. Identifiers: Orphanet 244, MedGen C3151137, MONDO:0013435, OMIM 613808.

Allele frequency attached by ClinVar (database versions not stated): TOPMed 0.00002; ExAC 0.00003; gnomAD 0.00004 and 0.00005; gnomAD exomes 0.00005; ESP Exome Variant Server 0.00008.
gnomAD v4.1: 89 of 1,613,874 alleles (0.0055%); highest among the groups gnomAD compares: East Asian, 0.011%; no homozygotes.

Submissions (3):

Ambry Genetics
Classification: Uncertain significance for Primary ciliary dyskinesia. Last evaluated: 2024-05-12. Review status: criteria provided, single submitter. Criteria: Ambry Variant Classification Scheme 2023. Collection method: clinical testing. Allele origin: germline.

Labcorp Genetics (formerly Invitae), Labcorp
Classification: Uncertain significance for Primary ciliary dyskinesia. Last evaluated: 2022-07-24. Review status: criteria provided, single submitter. Criteria: Invitae Variant Classification Sherloc (09022015). Collection method: clinical testing. Allele origin: germline.
Comment: This sequence change replaces serine, which is neutral and polar, with leucine, which is neutral and non-polar, at codon 169 of the CCDC40 protein (p.Ser169Leu). This variant is present in population databases (rs369066468, gnomAD 0.02%). This variant has not been reported in the literature in individuals affected with CCDC40-related conditions. ClinVar contains an entry for this variant (Variation ID: 325724). Algorithms developed to predict the effect of missense changes on protein structure and function (SIFT, PolyPhen-2, Align-GVGD) all suggest that this variant is likely to be tolerated. In summary, the available evidence is currently insufficient to determine the role of this variant in disease. Therefore, it has been classified as a Variant of Uncertain Significance.

Illumina Laboratory Services, Illumina
Classification: Uncertain significance for Primary ciliary dyskinesia 15. Last evaluated: 2018-01-12. Review status: criteria provided, single submitter. Criteria: ICSL Variant Classification Criteria 13 December 2019. Collection method: clinical testing. Allele origin: germline.